The following is an entry in ClinVar:

NM_000384.3(APOB):c.2633C>T (p.Ser878Phe)

Gene: APOB (apolipoprotein B; minus strand). Cytogenetic location: 2p24.1.
Variant type: single nucleotide variant.
Coding change: c.2633C>T on transcript NM_000384.3 (MANE Select); coding-DNA position 2633, C replaced by T.
Protein change: p.Ser878Phe; replaces serine 878 with phenylalanine.
Molecular consequence: missense variant.
Genome position (GRCh38, 1-based): chr2:21,023,014, G>A on the plus strand (C>T on the coding strand, the complement: APOB is on the minus strand). VCF-style: chr2-21023014-G-A. GRCh37 (hg19) VCF-style: chr2-21245886-G-A.
Other names: short protein forms S878F.
Identifiers: ClinVar variation 4125917 (VCV004125917.2).

ClinVar aggregate classification (germline): Uncertain significance (1 of 4 stars; one submission).

Conditions:
Cardiovascular phenotype. Identifiers: MedGen CN230736.

Submission:

Ambry Genetics
Classification: Uncertain significance for Cardiovascular phenotype. Last evaluated: 2026-07-02. Review status: criteria provided, single submitter. Criteria: Ambry Variant Classification Scheme 2023. Collection method: clinical testing. Allele origin: germline.
Comment: The p.S878F variant (also known as c.2633C>T), located in coding exon 18 of the APOB gene, results from a C to T substitution at nucleotide position 2633. The serine at codon 878 is replaced by phenylalanine, an amino acid with highly dissimilar properties. This amino acid position is conserved. In addition, the in silico prediction for this alteration is inconclusive. Based on the available evidence, the clinical significance of this variant remains unclear.